The following is an entry in ClinVar:

ClinVar aggregate classification (germline): Likely benign (1 of 4 stars; one submission).

gnomAD v4.1: 434 of 1,606,386 alleles (0.027%); highest among the groups gnomAD compares: African/African-American, 0.47%; 2 homozygotes.

Submission:

CeGaT Center for Human Genetics Tuebingen
Classification: Likely benign. Last evaluated: 2026-01-01. Review status: criteria provided, single submitter. Criteria: CeGaT Center For Human Genetics Tuebingen Variant Classification Criteria Version 2. Collection method: clinical testing. Allele origin: germline. Affected: yes. Observed: 1 variant allele.
Comment: TMEM204: BP4, BP7

NM_024600.6(TMEM204):c.300C>T (p.Arg100=)

Genes: IFT140 (intraflagellar transport 140; minus strand), TMEM204 (transmembrane protein 204; plus strand). Cytogenetic location: 16p13.3.
Variant type: single nucleotide variant.
Coding change: c.300C>T on transcript NM_024600.6 (MANE Select); coding-DNA position 300, C replaced by T.
Protein change: p.Arg100=; no amino-acid change (arginine 100 retained).
Molecular consequence: synonymous variant. On other transcripts: intron variant (1).
Genome position (GRCh38, 1-based): chr16:1,541,940, C>T. VCF-style: chr16-1541940-C-T. GRCh37 (hg19) VCF-style: chr16-1591941-C-T.
Other names: c.300C>T, p.Arg100= (NM_001256541.2); c.2400-15144G>A (NM_014714.4).
Identifiers: ClinVar variation 4821669 (VCV004821669.4).